The following is an entry in ClinVar:

ClinVar aggregate classification (germline): Conflicting classifications of pathogenicity. Review status: criteria provided, conflicting classifications (1 of 4 stars). 3 submissions from 3 submitters: Uncertain significance (2); Likely benign (1). Last evaluated 2026-06-03.

Conditions:
Hereditary cancer-predisposing syndrome. Also called: Tumor predisposition; Hereditary neoplastic syndrome; Neoplastic Syndromes, Hereditary; Hereditary Cancer Syndrome. Identifiers: Orphanet 140162, MedGen C0027672, MeSH D009386, MONDO:0015356.
Hereditary diffuse gastric adenocarcinoma (HDGC). Also called: DIFFUSE GASTRIC AND LOBULAR BREAST CANCER SYNDROME. Identifiers: Orphanet 26106, MedGen C1708349, MONDO:0007648, OMIM 137215.

Allele frequency attached by ClinVar (database versions not stated): gnomAD exomes below 0.00001.
gnomAD v4.1: 1 of 1,614,186 alleles (0.000062%); highest among the groups gnomAD compares: East Asian, 0.0022%; no homozygotes.

Submissions (3):

Ambry Genetics
Classification: Likely benign for Hereditary cancer-predisposing syndrome. Last evaluated: 2026-06-03. Review status: criteria provided, single submitter. Criteria: Ambry Variant Classification Scheme 2023. Collection method: clinical testing. Allele origin: germline.

Labcorp Genetics (formerly Invitae), Labcorp
Classification: Uncertain significance for Hereditary diffuse gastric adenocarcinoma. Last evaluated: 2025-06-08. Review status: criteria provided, single submitter. Criteria: Invitae Variant Classification Sherloc (09022015). Collection method: clinical testing. Allele origin: germline.
Comment: This sequence change replaces lysine, which is basic and polar, with arginine, which is basic and polar, at codon 168 of the CDH1 protein (p.Lys168Arg). This variant is not present in population databases (gnomAD no frequency). This variant has not been reported in the literature in individuals affected with CDH1-related conditions. ClinVar contains an entry for this variant (Variation ID: 532443). An algorithm developed to predict the effect of missense changes on protein structure and function (PolyPhen-2) suggests that this variant is likely to be tolerated. In summary, the available evidence is currently insufficient to determine the role of this variant in disease. Therefore, it has been classified as a Variant of Uncertain Significance.

Revvity Omics, Revvity
Classification: Uncertain significance. Last evaluated: 2022-06-25. Review status: criteria provided, single submitter. Criteria: ACMG Guidelines, 2015. Collection method: clinical testing. Allele origin: germline.

NM_004360.5(CDH1):c.503A>G (p.Lys168Arg)

Gene: CDH1 (cadherin 1; plus strand). Cytogenetic location: 16q22.1.
Variant type: single nucleotide variant.
Coding change: c.503A>G on transcript NM_004360.5 (MANE Select); coding-DNA position 503, A replaced by G.
Protein change: p.Lys168Arg; replaces lysine 168 with arginine.
Molecular consequence: missense variant. On other transcripts: 5 prime UTR variant (2).
Genome position (GRCh38, 1-based): chr16:68,808,539, A>G. VCF-style: chr16-68808539-A-G. GRCh37 (hg19) VCF-style: chr16-68842442-A-G.
Other names: c.503A>G (LRG_301t1); c.503A>G, p.Lys168Arg (NM_001317184.2); c.-1113A>G (NM_001317185.2); c.-1317A>G (NM_001317186.2); short protein forms K168R.
Identifiers: ClinVar variation 532443 (VCV000532443.17), dbSNP rs1483883033, ClinGen allele CA396457763.